The following is an entry in ClinVar:

ClinVar aggregate classification (germline): Uncertain significance. Review status: criteria provided, multiple submitters, no conflicts (2 of 4 stars). 2 submissions from 2 submitters: Uncertain significance (2). Last evaluated 2025-03-18.

Conditions:
Nemaline myopathy 2 (NEM2). Also called: Nemaline myopathy 2, autosomal recessive. Identifiers: MedGen C1850569, MONDO:0009725, OMIM 256030.

Allele frequency attached by ClinVar (database versions not stated): gnomAD exomes below 0.00001 and 0.00001; ExAC 0.00002; TOPMed 0.00003; gnomAD 0.00004; ESP Exome Variant Server 0.00017.
gnomAD v4.1: 15 of 1,611,682 alleles (0.00093%); highest among the groups gnomAD compares: African/African-American, 0.02%; no homozygotes.

Submissions (2):

Labcorp Genetics (formerly Invitae), Labcorp
Classification: Uncertain significance for Nemaline myopathy 2. Last evaluated: 2025-03-18. Review status: criteria provided, single submitter. Criteria: Invitae Variant Classification Sherloc (09022015). Collection method: clinical testing. Allele origin: germline.
Comment: This sequence change replaces asparagine, which is neutral and polar, with lysine, which is basic and polar, at codon 3382 of the NEB protein (p.Asn3382Lys). This variant is present in population databases (rs374471394, gnomAD 0.01%). This variant has not been reported in the literature in individuals affected with NEB-related conditions. ClinVar contains an entry for this variant (Variation ID: 1309737). Experimental studies and prediction algorithms are not available or were not evaluated, and the functional significance of this variant is currently unknown. Algorithms developed to predict the effect of sequence changes on RNA splicing suggest that this variant may create or strengthen a splice site. In summary, the available evidence is currently insufficient to determine the role of this variant in disease. Therefore, it has been classified as a Variant of Uncertain Significance.

GeneDx
Classification: Uncertain significance. Last evaluated: 2019-10-29. Review status: criteria provided, single submitter. Criteria: GeneDx Variant Classification Process June 2021. Collection method: clinical testing. Allele origin: germline. Affected: yes.
Comment: Not observed at a significant frequency in large population cohorts (Lek et al., 2016); In silico analysis, which includes protein predictors and evolutionary conservation, supports that this variant does not alter protein structure/function; Has not been previously published as pathogenic or benign to our knowledge

NM_001164508.2(NEB):c.10146C>G (p.Asn3382Lys)

Gene: NEB (nebulin; minus strand). Cytogenetic location: 2q23.3.
Variant type: single nucleotide variant.
Coding change: c.10146C>G on transcript NM_001164508.2 (MANE Select); coding-DNA position 10146, C replaced by G.
Protein change: p.Asn3382Lys; replaces asparagine 3382 with lysine.
Molecular consequence: missense variant.
Genome position (GRCh38, 1-based): chr2:151,627,203, G>C on the plus strand (C>G on the coding strand, the complement: NEB is on the minus strand). VCF-style: chr2-151627203-G-C. GRCh37 (hg19) VCF-style: chr2-152483717-G-C.
Other names: c.10146C>G, p.Asn3382Lys (NM_001164507.2, NM_001271208.2); c.9417C>G, p.Asn3139Lys (NM_004543.5); short protein forms N3139K, N3382K.
Identifiers: ClinVar variation 1309737 (VCV001309737.4), dbSNP rs374471394, ClinGen allele CA1909101.